The following is an entry in ClinVar:

NM_002890.3(RASA1):c.407C>A (p.Pro136His)

Gene: RASA1 (RAS p21 protein activator 1; plus strand). Cytogenetic location: 5q14.3.
Variant type: single nucleotide variant.
Coding change: c.407C>A on transcript NM_002890.3 (MANE Select); coding-DNA position 407, C replaced by A.
Protein change: p.Pro136His; replaces proline 136 with histidine.
Molecular consequence: missense variant.
Genome position (GRCh38, 1-based): chr5:87,268,858, C>A. VCF-style: chr5-87268858-C-A. GRCh37 (hg19) VCF-style: chr5-86564675-C-A.
Other names: short protein forms P136H.
Identifiers: ClinVar variation 432875 (VCV000432875.2), dbSNP rs769463654, ClinGen allele CA122462673.

ClinVar aggregate classification (germline): Uncertain significance (1 of 4 stars; one submission).

Allele frequency attached by ClinVar (database versions not stated): TOPMed 0.00003.

Submission:

GeneDx
Classification: Uncertain significance. Last evaluated: 2017-06-15. Review status: criteria provided, single submitter. Criteria: GeneDx Variant Classification (06012015). Collection method: clinical testing. Allele origin: germline. Affected: yes.
Comment: The P136H variant in the RASA1 gene has not been reported previously as a pathogenic variant, nor as a benign variant, to our knowledge. The P136H variant is not observed in large population cohorts (Lek et al., 2016; 1000 Genomes Consortium et al., 2015; Exome Variant Server). The P136H variant is a non-conservative amino acid substitution, which is likely to impact secondary protein structure as these residues differ in polarity, charge, size and/or other properties. This substitution occurs at a position that is conserved across species, and in silico analysis is inconsistent in its predictions as to whether or not the variant is damaging to the protein structure/function. We interpret P136H as a variant of uncertain significance.